The following is an entry in ClinVar:

GRCh38/hg38 16p12.2(chr16:21826171-22358401)x3

Genes: CDR2 (cerebellar degeneration related protein 2), EEF2K (eukaryotic elongation factor 2 kinase), MOSMO (modulator of smoothened), NPIPB4 (nuclear pore complex interacting protein family member B4), PDZD9 (PDZ domain containing 9) and 29 more. Cytogenetic location: 16p12.2.
Variant type: copy number gain.
Change: copy number 3 (three copies instead of two) of chr16:21,826,171-22,358,401 (532.2 kb, GRCh38 coordinates, 1-based), cytogenetic band 16p12.2.
Identifiers: ClinVar variation 160945 (VCV000160945.1).

ClinVar aggregate classification (germline): Uncertain significance (1 of 4 stars; one submission).

Submission:

ISCA site 17
Classification: Uncertain significance. Last evaluated: 2011-08-12. Review status: criteria provided, single submitter. Criteria: Kaminsky et al. (Genet Med. 2011). Collection method: clinical testing. Allele origin: maternal. Affected: yes. Observed: 1 variant allele.
Comment: Copy number variation identified through the course of routine clinical cytogenomic testing in postnatal populations. Clinical assertions have been curated as described in Kaminsky et al. 2011.